The following is an entry in ClinVar:

NM_000053.4(ATP7B):c.3493G>A (p.Val1165Ile)

Gene: ATP7B (ATPase copper transporting beta; minus strand). Cytogenetic location: 13q14.3.
Variant type: single nucleotide variant.
Coding change: c.3493G>A on transcript NM_000053.4 (MANE Select); coding-DNA position 3493, G replaced by A.
Protein change: p.Val1165Ile; replaces valine 1165 with isoleucine.
Molecular consequence: missense variant.
Genome position (GRCh38, 1-based): chr13:51,941,144, C>T on the plus strand (G>A on the coding strand, the complement: ATP7B is on the minus strand). VCF-style: chr13-51941144-C-T. GRCh37 (hg19) VCF-style: chr13-52515280-C-T.
Other names: c.2872G>A, p.Val958Ile (NM_001005918.3); c.3160G>A, p.Val1054Ile (NM_001243182.2); c.3259G>A, p.Val1087Ile (NM_001330578.2, NM_001406527.1, NM_001406528.1); c.3241G>A, p.Val1081Ile (NM_001330579.2, NM_001406531.1, NM_001406532.1); c.3493G>A, p.Val1165Ile (NM_001406511.1, NM_001406512.1, NM_001406526.1); c.3487G>A, p.Val1163Ile (NM_001406513.1); c.3460G>A, p.Val1154Ile (NM_001406514.1); c.3439G>A, p.Val1147Ile (NM_001406515.1, NM_001406516.1); and 18 more; short protein forms V1087I, V1104I, V1154I, V884I, V938I, V949I, V1003I, V1052I.
Identifiers: ClinVar variation 2160886 (VCV002160886.2), dbSNP rs865803089, ClinGen allele CA250077221.
Genomic context (GRCh38, chr13:51,941,144, plus strand): 5'-CAATAGCCACCAGGATGGCTGTCTGTCCTTTCATCTCGTGGTCTGTCATAGCGTCACTGA[C>T]ATCGCTAGAAATGGTTAAACCGTTGCGCCTCAGCCACTCACGGTTTCCAATCAGCACAGA-3'
Protein context (NP_000044.2, residues 1155-1175): RRNGLTISSD[Val1165Ile]SDAMTDHEMK

ClinVar aggregate classification (germline): Uncertain significance. Review status: criteria provided, multiple submitters, no conflicts (2 of 4 stars). 2 submissions from 2 submitters: Uncertain significance (2). Last evaluated 2024-08-13.

Conditions:
Wilson disease (WND). Also called: Wilson's disease. Identifiers: Orphanet 905, MedGen C0019202, MONDO:0010200, OMIM 277900. Disease mechanism: loss of function.

Allele frequency attached by ClinVar (database versions not stated): gnomAD exomes below 0.00001; gnomAD 0.00001; TOPMed 0.00001.
gnomAD v4.1: 3 of 1,614,050 alleles (0.00019%); highest among the groups gnomAD compares: Admixed American, 0.005%; no homozygotes.

Submissions (2):

All of Us Research Program, National Institutes of Health
Classification: Uncertain significance for Wilson disease. Last evaluated: 2024-08-13. Review status: criteria provided, single submitter. Criteria: ACMG Guidelines, 2015. Collection method: clinical testing. Allele origin: germline. Inheritance: Autosomal recessive inheritance. Observed: 1 variant allele, 1 heterozygote.
Comment: This missense variant replaces valine with isoleucine at codon 1165 in the N domain of the ATP7B protein (a.a. 1032 - 1196), a highly conserved region that is considered to be important for ATP7B protein function (PMID: 35245129; ClinVar). Computational prediction suggests that this variant may not impact protein structure and function. To our knowledge, functional studies have not been reported for this variant. This variant has not been reported in individuals affected with ATP7B-related disorders in the literature. This variant has been identified in 1/249588 chromosomes in the general population by the Genome Aggregation Database (gnomAD). The available evidence is insufficient to determine the role of this variant in disease conclusively. Therefore, this variant is classified as a Variant of Uncertain Significance.

This study involves interpretation of variants in research participants for the purpose of population health screening. Participant phenotype was not available at the time of variant classification. Additional details can be found in publication PMID: 35346344, PMCID: PMC8962531

Labcorp Genetics (formerly Invitae), Labcorp
Classification: Uncertain significance for Wilson disease. Last evaluated: 2021-09-17. Review status: criteria provided, single submitter. Criteria: Invitae Variant Classification Sherloc (09022015). Collection method: clinical testing. Allele origin: germline.
Comment: This sequence change replaces valine with isoleucine at codon 1165 of the ATP7B protein (p.Val1165Ile). The valine residue is weakly conserved and there is a small physicochemical difference between valine and isoleucine. This variant is not present in population databases (ExAC no frequency). This variant has not been reported in the literature in individuals with ATP7B-related conditions. Algorithms developed to predict the effect of missense changes on protein structure and function output the following: SIFT: "Tolerated"; PolyPhen-2: "Benign"; Align-GVGD: "Class C0". The isoleucine amino acid residue is found in multiple mammalian species, suggesting that this missense change does not adversely affect protein function. These predictions have not been confirmed by published functional studies and their clinical significance is uncertain. In summary, the available evidence is currently insufficient to determine the role of this variant in disease. Therefore, it has been classified as a Variant of Uncertain Significance.

Literature cited by the submitters: PubMed 35245129 (cited by All of Us Research Program, National Institutes of Health).